The following is an entry in ClinVar:

ClinVar aggregate classification (germline): Pathogenic. Review status: reviewed by expert panel (3 of 4 stars). 9 submissions from 9 submitters: Pathogenic (1). 8 of the submissions do not count toward it. Last evaluated 2016-10-18.

Conditions:
BRCA2-related cancer predisposition. Identifiers: MedGen CN377758, MONDO:0700269.
Hereditary cancer-predisposing syndrome. Also called: Hereditary Cancer Syndrome; Neoplastic Syndromes, Hereditary; Tumor predisposition; Hereditary neoplastic syndrome. Identifiers: Orphanet 140162, MedGen C0027672, MeSH D009386, MONDO:0015356.
Breast-ovarian cancer, familial, susceptibility to, 2 (BROVCA2). Also called: BRCA2 Hereditary Breast and Ovarian Cancer. Identifiers: Orphanet 145, MedGen C2675520, MONDO:0012933, OMIM 612555. Disease mechanism: loss of function.
Hereditary breast ovarian cancer syndrome. Also called: Hereditary breast and/or ovarian cancer syndrome; BRCA1- and BRCA2-Associated Hereditary Breast and Ovarian Cancer; Hereditary breast and ovarian cancer syndrome (HBOC); Hereditary breast and ovarian cancer; Hereditary breast and ovarian cancer syndrome; Breast and ovarian cancer. Identifiers: Orphanet 145, MedGen C0677776, MeSH D061325, MONDO:0003582. Disease mechanism: loss of function.
Familial cancer of breast. Also called: Hereditary breast cancer; hereditary breast carcinoma; BREAST CANCER, FAMILIAL. Identifiers: Orphanet 227535, MedGen C0346153, MONDO:0016419, OMIM 114480. Disease mechanism: loss of function.

Submissions (9):

Evidence-based Network for the Interpretation of Germline Mutant Alleles (ENIGMA)
Classification: Pathogenic for Breast-ovarian cancer, familial, susceptibility to, 2. Last evaluated: 2016-10-18. Review status: reviewed by expert panel. Criteria: ENIGMA BRCA1/2 Classification Criteria (2015). Collection method: curation. Allele origin: germline.
Comment: Variant allele predicted to encode a truncated non-functional protein.

Women's Health and Genetics/Laboratory Corporation of America, LabCorp
Classification: Pathogenic for Hereditary breast ovarian cancer syndrome. Last evaluated: 2025-12-08. Review status: criteria provided, single submitter. Criteria: LabCorp Variant Classification Summary - May 2015. Collection method: clinical testing. Allele origin: germline. Not counted in ClinVar's aggregate classification.
Comment: Variant summary: BRCA2 c.2641G>T (p.Glu881X) results in a premature termination codon, predicted to cause absence of the protein due to nonsense mediated decay, which is a commonly known mechanism for disease. The variant was absent in 226808 control chromosomes (gnomAD). c.2641G>T has been observed in individuals affected with Hereditary Breast And Ovarian Cancer Syndrome (e.g. Inagaki-Kawata_2020). The following publication has been ascertained in the context of this evaluation (PMID: 33067557). ClinVar contains an entry for this variant (Variation ID: 230582). Based on the evidence outlined above, the variant was classified as pathogenic.

Labcorp Genetics (formerly Invitae), Labcorp
Classification: Pathogenic for Hereditary breast ovarian cancer syndrome. Last evaluated: 2025-10-16. Review status: criteria provided, single submitter. Criteria: Invitae Variant Classification Sherloc (09022015). Collection method: clinical testing. Allele origin: germline. Not counted in ClinVar's aggregate classification.
Comment: This sequence change creates a premature translational stop signal (p.Glu881*) in the BRCA2 gene. It is expected to result in an absent or disrupted protein product. Loss-of-function variants in BRCA2 are known to be pathogenic (PMID: 20104584). This variant is not present in population databases (gnomAD no frequency). This premature translational stop signal has been observed in individual(s) with breast and/or ovarian cancer (PMID: 29446198). ClinVar contains an entry for this variant (Variation ID: 230582). For these reasons, this variant has been classified as Pathogenic.

All of Us Research Program, National Institutes of Health
Classification: Pathogenic for BRCA2-related cancer predisposition. Last evaluated: 2024-09-13. Review status: criteria provided, single submitter. Criteria: ACMG Guidelines, 2015. Collection method: clinical testing. Allele origin: germline. Inheritance: Autosomal dominant inheritance. Observed: 3 variant alleles, 3 heterozygotes. Not counted in ClinVar's aggregate classification.
Comment: The c.2641G>T (p.Glu881*) variant in the BRCA2 gene is located on the exon 11 and introduces a premature translation termination codon (p.Glu881*), resulting in an absent or disrupted protein product. Loss-of-function variants in the BRCA2 gene are known to be pathogenic (PMID: 8988179, 11897832, 29446198). Alternative protein termination codon variants located upstream and downstream to this position in the same exon have been reported in individuals with breast and/or ovarian cancer and interpreted as pathogenic (ClinVar IDs: 51318, 9322). The variant is reported in ClinVar as pathogenic (ID: 230582) and reviewed by the expert panel. The variant is absent in the general population database (gnomAD). Therefore, the c.2641G>T (p.Glu881*) variant in the BRCA2 gene has been classified as pathogenic.

This study involves interpretation of variants in research participants for the purpose of population health screening. Participant phenotype was not available at the time of variant classification. Additional details can be found in publication PMID: 35346344, PMCID: PMC8962531

Color Diagnostics, LLC DBA Color Health
Classification: Pathogenic for Hereditary cancer-predisposing syndrome. Last evaluated: 2024-07-17. Review status: criteria provided, single submitter. Criteria: ACMG Guidelines, 2015. Collection method: clinical testing. Allele origin: germline. Not counted in ClinVar's aggregate classification.
Comment: This variant changes 1 nucleotide in exon 11 of the BRCA2 gene, creating a premature translation stop signal. This variant is expected to result in an absent or non-functional protein product. This variant has been reported in one family among the CIMBA participants (PMID: 29446198). This variant has not been identified in the general population by the Genome Aggregation Database (gnomAD). Loss of BRCA2 function is a known mechanism of disease. Based on the available evidence, this variant is classified as Pathogenic.

Human Genome Sequencing Center Clinical Lab, Baylor College of Medicine
Classification: Pathogenic for hereditary breast and ovarian cancer syndrome. Last evaluated: 2023-10-18. Review status: criteria provided, single submitter. Criteria: ACMG Guidelines, 2015. Collection method: clinical testing. Allele origin: unknown. Not counted in ClinVar's aggregate classification.
Comment: The c.2641G>T (p.Glu881*) variant in the BRCA2 gene is located on the exon 11 and introduces a premature translation termination codon (p.Glu881*), resulting in an absent or disrupted protein product. Loss-of-function variants in the BRCA2 gene are known to be pathogenic (PMID: 8988179, 11897832, 29446198). Alternative protein termination codon variants located upstream and downstream to this position in the same exon have been reported in individuals with breast and/or ovarian cancer and interpreted as pathogenic (ClinVar IDs: 51318, 9322). The variant is reported in ClinVar as pathogenic (ID: 230582) and reviewed by the expert panel. The variant is absent in the general population database (gnomAD). Therefore, the c.2641G>T (p.Glu881*) variant in the BRCA2 gene has been classified as pathogenic.

Baylor Genetics
Classification: Pathogenic for Familial cancer of breast. Last evaluated: 2023-02-24. Review status: criteria provided, single submitter. Criteria: ACMG Guidelines, 2015. Collection method: clinical testing. Allele origin: unknown. Not counted in ClinVar's aggregate classification.

Ambry Genetics
Classification: Pathogenic for Hereditary cancer-predisposing syndrome. Last evaluated: 2020-12-18. Review status: criteria provided, single submitter. Criteria: Ambry Variant Classification Scheme 2023. Collection method: clinical testing. Allele origin: germline. Not counted in ClinVar's aggregate classification.
Comment: The p.E881* pathogenic mutation (also known as c.2641G>T), located in coding exon 10 of the BRCA2 gene, results from a G to T substitution at nucleotide position 2641. This changes the amino acid from a glutamic acid to a stop codon within coding exon 10. This alteration was identified in a large, worldwide study of BRCA1/2 mutation positive families (Rebbeck TR et al. Hum Mutat, 2018 05;39:593-620). In addition to the clinical data presented in the literature, this alteration is expected to result in loss of function by premature protein truncation or nonsense-mediated mRNA decay. As such, this alteration is interpreted as a disease-causing mutation.

Consortium of Investigators of Modifiers of BRCA1/2 (CIMBA), c/o University of Cambridge
Classification: Pathogenic for Breast-ovarian cancer, familial, susceptibility to, 2. Last evaluated: 2015-10-02. Review status: criteria provided, single submitter. Criteria: CIMBA Mutation Classification guidelines May 2016. Collection method: clinical testing. Allele origin: germline. Not counted in ClinVar's aggregate classification.

Literature cited by the submitters: PubMed 33067557 (cited by Women's Health and Genetics/Laboratory Corporation of America, LabCorp); PubMed 20104584 (cited by Labcorp Genetics (formerly Invitae), Labcorp); PubMed 29446198 (cited by 4 submitters); PubMed 8988179 (cited by All of Us Research Program, National Institutes of Health); PubMed 11897832 (cited by All of Us Research Program, National Institutes of Health).

NM_000059.4(BRCA2):c.2641G>T (p.Glu881Ter)

Gene: BRCA2 (BRCA2 DNA repair associated; plus strand). Cytogenetic location: 13q13.1.
Variant type: single nucleotide variant.
Coding change: c.2641G>T on transcript NM_000059.4 (MANE Select); coding-DNA position 2641, G replaced by T.
Protein change: p.Glu881Ter; replaces glutamic acid 881 with a stop codon.
Molecular consequence: nonsense.
Genome position (GRCh38, 1-based): chr13:32,336,996, G>T. VCF-style: chr13-32336996-G-T. GRCh37 (hg19) VCF-style: chr13-32911133-G-T.
Other names: 2869G>T; short protein forms E881*.
Identifiers: ClinVar variation 230582 (VCV000230582.27), dbSNP rs876658648, ClinGen allele CA10579544.